The following is an entry in ClinVar:

ClinVar aggregate classification (germline): Likely pathogenic (1 of 4 stars; one submission).

Conditions:
Familial cancer of breast. Also called: Hereditary breast cancer; BREAST CANCER, FAMILIAL; hereditary breast carcinoma. Identifiers: Orphanet 227535, MedGen C0346153, MONDO:0016419, OMIM 114480. Disease mechanism: loss of function.

Submission:

Myriad Genetics, Inc.
Classification: Likely pathogenic for Familial cancer of breast. Last evaluated: 2023-05-09. Review status: criteria provided, single submitter. Criteria: Myriad Autosomal Dominant, Autosomal Recessive and X-Linked Classification Criteria (2023). Collection method: clinical testing. Allele origin: unknown.
Comment: This variant is considered likely pathogenic. This variant occurs within a consensus splice junction and is predicted to result in abnormal mRNA splicing of either an out-of-frame exon or an in-frame exon necessary for protein stability and/or normal function.

NM_000051.4(ATM):c.1607+2T>A

Gene: ATM (ATM serine/threonine kinase; plus strand). Cytogenetic location: 11q22.3.
Variant type: single nucleotide variant.
Coding change: c.1607+2T>A on transcript NM_000051.4 (MANE Select); the canonical splice donor site of the intron after coding-DNA position 1607, T replaced by A.
Molecular consequence: splice donor variant.
Genome position (GRCh38, 1-based): chr11:108,251,074, T>A. VCF-style: chr11-108251074-T-A. GRCh37 (hg19) VCF-style: chr11-108121801-T-A.
Other names: c.1607+2T>A (NM_001351834.2).
Identifiers: ClinVar variation 2583329 (VCV002583329.2), dbSNP rs2135328577, ClinGen allele CA382534459.